The following is an entry in ClinVar:

NM_001375567.1(FOCAD):c.2587C>G (p.Arg863Gly)

Gene: FOCAD (focadhesin; plus strand). Cytogenetic location: 9p21.3.
Variant type: single nucleotide variant.
Coding change: c.2587C>G on transcript NM_001375567.1 (MANE Select); coding-DNA position 2587, C replaced by G.
Protein change: p.Arg863Gly; replaces arginine 863 with glycine.
Molecular consequence: missense variant.
Genome position (GRCh38, 1-based): chr9:20,885,192, C>G. VCF-style: chr9-20885192-C-G. GRCh37 (hg19) VCF-style: chr9-20885191-C-G.
Other names: c.2482C>G, p.Arg828Gly (NM_001375568.1, NM_001375570.1); c.2587C>G, p.Arg863Gly (NM_017794.5); short protein forms R828G, R863G.
Identifiers: ClinVar variation 4799634 (VCV004799634.1).
Genomic context (GRCh38, chr9:20,885,192, plus strand): 5'-GTTTCCATGTATCAGAGTAAAGATGGAAAACCATTGAACAGACTGATGGCCAGCAGAGGG[C>G]GAAGTTTCAAGCAGACTTCACTTGCTCTTGTACATGAGGTAGGTTCCCGTGTCCTCTTCT-3'
Protein context (NP_001362496.1, residues 853-873): PLNRLMASRG[Arg863Gly]SFKQTSLALV

ClinVar aggregate classification (germline): Uncertain significance (1 of 4 stars; one submission).

gnomAD v4.1: 7 of 1,538,502 alleles (0.00045%); highest among the groups gnomAD compares: Non-Finnish European, 0.00044%; no homozygotes.

Submission:

Labcorp Genetics (formerly Invitae), Labcorp
Classification: Uncertain significance. Last evaluated: 2025-04-11. Review status: criteria provided, single submitter. Criteria: Invitae Variant Classification Sherloc (09022015). Collection method: clinical testing. Allele origin: germline.
Comment: This sequence change replaces arginine, which is basic and polar, with glycine, which is neutral and non-polar, at codon 863 of the FOCAD protein (p.Arg863Gly). This variant is present in population databases (no rsID available, gnomAD 0.007%). This variant has not been reported in the literature in individuals affected with FOCAD-related conditions. Experimental studies and prediction algorithms are not available or were not evaluated, and the functional significance of this variant is currently unknown. In summary, the available evidence is currently insufficient to determine the role of this variant in disease. Therefore, it has been classified as a Variant of Uncertain Significance.